The following is an entry in ClinVar:

ClinVar aggregate classification (germline): Likely benign. Review status: criteria provided, multiple submitters, no conflicts (2 of 4 stars). 2 submissions from 2 submitters: Likely benign (2). Last evaluated 2018-06-19.

Allele frequency attached by ClinVar (database versions not stated): gnomAD 0.01394 and 0.01547; TOPMed 0.01565; gnomAD exomes 0.01697; 1000 Genomes Project 30x 0.02764; 1000 Genomes Project 0.02855.

Submissions (2):

GeneDx
Classification: Likely benign. Last evaluated: 2018-06-19. Review status: criteria provided, single submitter. Criteria: GeneDx Variant Classification (06012015). Collection method: clinical testing. Allele origin: germline. Affected: yes.
Comment: This variant is considered likely benign or benign based on one or more of the following criteria: it is a conservative change, it occurs at a poorly conserved position in the protein, it is predicted to be benign by multiple in silico algorithms, and/or has population frequency not consistent with disease.

Breakthrough Genomics
Classification: Likely benign. Review status: criteria provided, single submitter. Criteria: ACMG Guidelines, 2015. Collection method: not provided. Allele origin: germline. Inheritance: Autosomal dominant inheritance. Affected: yes.

NM_001103.4(ACTN2):c.698-1009G>A

Gene: ACTN2 (actinin alpha 2; plus strand). Cytogenetic location: 1q43.
Variant type: single nucleotide variant.
Coding change: c.698-1009G>A on transcript NM_001103.4 (MANE Select); 1009 bases into the intron before coding-DNA position 698, G replaced by A.
Molecular consequence: intron variant.
Genome position (GRCh38, 1-based): chr1:236,734,626, G>A. VCF-style: chr1-236734626-G-A. GRCh37 (hg19) VCF-style: chr1-236897926-G-A.
Other names: c.-39+108G>A (NM_001278344.2); c.783+108G>A (NM_001278343.2).
Identifiers: ClinVar variation 673406 (VCV000673406.2), dbSNP rs75131881, ClinGen allele CA39721629.